The following is an entry in ClinVar:

NM_001605.3(AARS1):c.2453C>T (p.Thr818Ile)

Gene: AARS1 (alanyl-tRNA synthetase 1; minus strand). Cytogenetic location: 16q22.1.
Variant type: single nucleotide variant.
Coding change: c.2453C>T on transcript NM_001605.3 (MANE Select); coding-DNA position 2453, C replaced by T.
Protein change: p.Thr818Ile; replaces threonine 818 with isoleucine.
Molecular consequence: missense variant.
Genome position (GRCh38, 1-based): chr16:70,253,986, G>A on the plus strand (C>T on the coding strand, the complement: AARS1 is on the minus strand). VCF-style: chr16-70253986-G-A. GRCh37 (hg19) VCF-style: chr16-70287889-G-A.
Other names: short protein forms T818I.
Identifiers: ClinVar variation 1682122 (VCV001682122.6), dbSNP rs753158346, ClinGen allele CA8140405.

ClinVar aggregate classification (germline): Uncertain significance (1 of 4 stars; one submission).

Conditions:
Charcot-Marie-Tooth disease type 2. Also called: Charcot-Marie-Tooth type 2. Identifiers: Orphanet 64746, MedGen C0270914, MONDO:0018993.

Allele frequency attached by ClinVar (database versions not stated): ExAC 0.00002; gnomAD 0.00001; gnomAD exomes 0.00002 and 0.00001.
gnomAD v4.1: 24 of 1,614,058 alleles (0.0015%); highest among the groups gnomAD compares: South Asian, 0.025%; no homozygotes.

Submission:

Labcorp Genetics (formerly Invitae), Labcorp
Classification: Uncertain significance for Charcot-Marie-Tooth disease type 2. Last evaluated: 2025-09-27. Review status: criteria provided, single submitter. Criteria: Invitae Variant Classification Sherloc (09022015). Collection method: clinical testing. Allele origin: germline.
Comment: This sequence change replaces threonine, which is neutral and polar, with isoleucine, which is neutral and non-polar, at codon 818 of the AARS protein (p.Thr818Ile). This variant is present in population databases (rs753158346, gnomAD 0.01%). This variant has not been reported in the literature in individuals affected with AARS-related conditions. ClinVar contains an entry for this variant (Variation ID: 1682122). An algorithm developed to predict the effect of missense changes on protein structure and function (PolyPhen-2) suggests that this variant is likely to be tolerated. In summary, the available evidence is currently insufficient to determine the role of this variant in disease. Therefore, it has been classified as a Variant of Uncertain Significance.